The following is an entry in ClinVar:

NM_025179.4(PLXNA2):c.4475G>A (p.Arg1492Gln)

Gene: PLXNA2 (plexin A2; minus strand). Cytogenetic location: 1q32.2.
Variant type: single nucleotide variant.
Coding change: c.4475G>A on transcript NM_025179.4 (MANE Select); coding-DNA position 4475, G replaced by A.
Protein change: p.Arg1492Gln; replaces arginine 1492 with glutamine.
Molecular consequence: missense variant.
Genome position (GRCh38, 1-based): chr1:208,039,646, C>T on the plus strand (G>A on the coding strand, the complement: PLXNA2 is on the minus strand). VCF-style: chr1-208039646-C-T. GRCh37 (hg19) VCF-style: chr1-208212991-C-T.
Other names: short protein forms R1492Q.
Identifiers: ClinVar variation 3890741 (VCV003890741.2).

ClinVar aggregate classification (germline): Uncertain significance. Review status: criteria provided, multiple submitters, no conflicts (2 of 4 stars). 2 submissions from 2 submitters: Uncertain significance (2). Last evaluated 2026-03-30.

Conditions:
PLXNA2-related disorder. Also called: PLXNA2-related condition.

gnomAD v4.1: 21 of 1,614,020 alleles (0.0013%); highest among the groups gnomAD compares: Non-Finnish European, 0.0016%; no homozygotes.

Submissions (2):

PreventionGenetics, part of Exact Sciences
Classification: Uncertain significance for PLXNA2-related condition. Last evaluated: 2026-03-30. Review status: criteria provided, single submitter. Criteria: ACMG Guidelines, 2015. Collection method: clinical testing. Allele origin: germline.
Comment: The PLXNA2 c.4475G>A variant is predicted to result in the amino acid substitution p.Arg1492Gln. To our knowledge, this variant has not been reported in the literature. This variant is reported in 0.0062% of alleles in individuals of African descent in gnomAD. At this time, the clinical significance of this variant is uncertain due to the absence of conclusive functional and genetic evidence.

Ambry Genetics
Classification: Uncertain significance. Last evaluated: 2025-02-24. Review status: criteria provided, single submitter. Criteria: Ambry Variant Classification Scheme 2023. Collection method: clinical testing. Allele origin: germline.